The following is an entry in ClinVar:

NM_014495.4(ANGPTL3):c.906C>A (p.Tyr302Ter)

Genes: ANGPTL3 (angiopoietin like 3; plus strand), DOCK7 (dedicator of cytokinesis 7; minus strand). Cytogenetic location: 1p31.3.
Variant type: single nucleotide variant.
Coding change: c.906C>A on transcript NM_014495.4 (MANE Select); coding-DNA position 906, C replaced by A.
Protein change: p.Tyr302Ter; replaces tyrosine 302 with a stop codon.
Molecular consequence: nonsense. On other transcripts: intron variant (7).
Genome position (GRCh38, 1-based): chr1:62,602,355, C>A. VCF-style: chr1-62602355-C-A. GRCh37 (hg19) VCF-style: chr1-63068026-C-A.
Other names: c.1683-15731G>T (NM_001272001.2, NM_001272000.2, NM_033407.4 and 4 more transcripts); short protein forms Y302*.
Identifiers: ClinVar variation 4752496 (VCV004752496.1).

ClinVar aggregate classification (germline): Pathogenic (1 of 4 stars; one submission).

gnomAD v4.1: 8 of 1,610,796 alleles (0.0005%); highest among the groups gnomAD compares: Admixed American, 0.0033%; no homozygotes.

Submission:

Labcorp Genetics (formerly Invitae), Labcorp
Classification: Pathogenic. Last evaluated: 2025-06-29. Review status: criteria provided, single submitter. Criteria: Invitae Variant Classification Sherloc (09022015). Collection method: clinical testing. Allele origin: germline.
Comment: This sequence change creates a premature translational stop signal (p.Tyr302*) in the ANGPTL3 gene. It is expected to result in an absent or disrupted protein product. Loss-of-function variants in ANGPTL3 are known to be pathogenic (PMID: 22247256, 24058201). This variant is present in population databases (no rsID available, gnomAD 0.006%). This premature translational stop signal has been observed in individual(s) with dyslipidemia (PMID: 36325899). Algorithms developed to predict the effect of sequence changes on RNA splicing suggest that this variant may disrupt the consensus splice site. For these reasons, this variant has been classified as Pathogenic.

Literature cited by the submitters: PubMed 22247256; PubMed 24058201; PubMed 36325899.